The following is an entry in ClinVar:

ClinVar aggregate classification (germline): Uncertain significance (1 of 4 stars; one submission).

Conditions:
Hypercholesterolemia, autosomal dominant, 3 (FHCL3). Also called: Familial Hypercholesterolemia, Autosomal Dominant, 3; Familial hypercholesterolemia 3; PCSK9-Related Familial Hypercholesterolemia, Autosomal Dominant. Identifiers: MedGen C1863551, MONDO:0011369, OMIM 603776.

Submission:

Labcorp Genetics (formerly Invitae), Labcorp
Classification: Uncertain significance for Hypercholesterolemia, autosomal dominant, 3. Last evaluated: 2025-05-11. Review status: criteria provided, single submitter. Criteria: Invitae Variant Classification Sherloc (09022015). Collection method: clinical testing. Allele origin: germline.
Comment: This sequence change replaces asparagine, which is neutral and polar, with lysine, which is basic and polar, at codon 586 of the PCSK9 protein (p.Asn586Lys). This variant is not present in population databases (gnomAD no frequency). This variant has not been reported in the literature in individuals affected with PCSK9-related conditions. Invitae Evidence Modeling of protein sequence and biophysical properties (such as structural, functional, and spatial information, amino acid conservation, physicochemical variation, residue mobility, and thermodynamic stability) indicates that this missense variant is not expected to disrupt PCSK9 protein function with a negative predictive value of 80%. In summary, the available evidence is currently insufficient to determine the role of this variant in disease. Therefore, it has been classified as a Variant of Uncertain Significance.

NM_174936.4(PCSK9):c.1758C>A (p.Asn586Lys)

Gene: PCSK9 (proprotein convertase subtilisin/kexin type 9; plus strand). Cytogenetic location: 1p32.3.
Variant type: single nucleotide variant.
Coding change: c.1758C>A on transcript NM_174936.4 (MANE Select); coding-DNA position 1758, C replaced by A.
Protein change: p.Asn586Lys; replaces asparagine 586 with lysine.
Molecular consequence: missense variant. On other transcripts: non-coding transcript variant (8).
Genome position (GRCh38, 1-based): chr1:55,061,451, C>A. VCF-style: chr1-55061451-C-A. GRCh37 (hg19) VCF-style: chr1-55527124-C-A.
Other names: c.1881C>A, p.Asn627Lys (NM_001407240.1); c.1800C>A, p.Asn600Lys (NM_001407241.1); c.1761C>A, p.Asn587Lys (NM_001407242.1); c.1701C>A, p.Asn567Lys (NM_001407243.1); c.1584C>A, p.Asn528Lys (NM_001407244.1); c.1566C>A, p.Asn522Lys (NM_001407245.1); c.1383C>A, p.Asn461Lys (NM_001407246.1); c.1257C>A, p.Asn419Lys (NM_001407247.1); short protein forms N419K, N461K, N522K, N528K, N567K, N586K, N587K, N600K.
Identifiers: ClinVar variation 4808863 (VCV004808863.1).